The following is an entry in ClinVar:

NM_020066.5(FMN2):c.3435T>A (p.Pro1145=)

Gene: FMN2 (formin 2; plus strand). Cytogenetic location: 1q43.
Variant type: single nucleotide variant.
Coding change: c.3435T>A on transcript NM_020066.5 (MANE Select); coding-DNA position 3435, T replaced by A.
Protein change: p.Pro1145=; no amino-acid change (proline 1145 retained).
Molecular consequence: synonymous variant. On other transcripts: intron variant (1).
Genome position (GRCh38, 1-based): chr1:240,208,247, T>A. VCF-style: chr1-240208247-T-A. GRCh37 (hg19) VCF-style: chr1-240371547-T-A.
Other names: c.3447T>A, p.Pro1149= (NM_001305424.2); c.1986+19985T>A (NM_001348094.2).
Identifiers: ClinVar variation 4534275 (VCV004534275.6).

ClinVar aggregate classification (germline): Likely benign (1 of 4 stars; one submission).

Submission:

CeGaT Center for Human Genetics Tuebingen
Classification: Likely benign. Last evaluated: 2025-11-01. Review status: criteria provided, single submitter. Criteria: CeGaT Center For Human Genetics Tuebingen Variant Classification Criteria Version 2. Collection method: clinical testing. Allele origin: germline. Affected: yes. Observed: 1 variant allele.
Comment: FMN2: BP4, BP7